The following is an entry in ClinVar:

NM_000038.6(APC):c.2735T>G (p.Leu912Ter)

Gene: APC (APC regulator of Wnt signaling pathway; plus strand). Cytogenetic location: 5q22.2.
Variant type: single nucleotide variant.
Coding change: c.2735T>G on transcript NM_000038.6 (MANE Select); coding-DNA position 2735, T replaced by G.
Protein change: p.Leu912Ter; replaces leucine 912 with a stop codon.
Molecular consequence: nonsense. On other transcripts: non-coding transcript variant (2).
Genome position (GRCh38, 1-based): chr5:112,838,329, T>G. VCF-style: chr5-112838329-T-G. GRCh37 (hg19) VCF-style: chr5-112174026-T-G.
Other names: c.2486T>G, p.Leu829Ter (NM_001407457.1, NM_001407454.1, NM_001407455.1 and 1 more transcripts); c.2432T>G, p.Leu811Ter (NM_001407458.1, NM_001407459.1, NM_001407460.1 and 1 more transcripts); c.2348T>G, p.Leu783Ter (NM_001407467.1, NM_001407469.1); c.1886T>G, p.Leu629Ter (NM_001407470.1, NM_001354906.2); c.1583T>G, p.Leu528Ter (NM_001407471.1, NM_001407472.1); c.2735T>G, p.Leu912Ter (NM_001127510.3, NM_001354895.2, NM_001407450.1); c.2681T>G, p.Leu894Ter (NM_001127511.3); c.2789T>G, p.Leu930Ter (NM_001354896.2, NM_001407447.1, NM_001407448.1 and 1 more transcripts); and 11 more; short protein forms L528*, L629*, L752*, L783*, L786*, L811*, L821*, L829*.
Identifiers: ClinVar variation 2584166 (VCV002584166.2), dbSNP rs2149876241, ClinGen allele CA16027296.

ClinVar aggregate classification (germline): Pathogenic (1 of 4 stars; one submission).

Conditions:
Familial adenomatous polyposis 1 (FAP1). Also called: FAMILIAL ADENOMATOUS POLYPOSIS 1, ATTENUATED; POLYPOSIS, ADENOMATOUS INTESTINAL. Identifiers: MedGen C2713442, MONDO:0021056, OMIM 175100. Disease mechanism: loss of function.

Submission:

Myriad Genetics, Inc.
Classification: Pathogenic for Familial adenomatous polyposis 1. Last evaluated: 2023-05-05. Review status: criteria provided, single submitter. Criteria: Myriad Autosomal Dominant, Autosomal Recessive and X-Linked Classification Criteria (2023). Collection method: clinical testing. Allele origin: unknown.
Comment: This variant is considered pathogenic. This variant creates a termination codon and is predicted to result in premature protein truncation.